The following is an entry in ClinVar:

NM_001372.4(DNAH9):c.13364A>G (p.Gln4455Arg)

Gene: DNAH9 (dynein axonemal heavy chain 9; plus strand). Cytogenetic location: 17p12.
Variant type: single nucleotide variant.
Coding change: c.13364A>G on transcript NM_001372.4 (MANE Select); coding-DNA position 13364, A replaced by G.
Protein change: p.Gln4455Arg; replaces glutamine 4455 with arginine.
Molecular consequence: missense variant.
Genome position (GRCh38, 1-based): chr17:11,969,430, A>G. VCF-style: chr17-11969430-A-G. GRCh37 (hg19) VCF-style: chr17-11872747-A-G.
Other names: c.2300A>G, p.Gln767Arg (NM_004662.2); short protein forms Q4455R, Q767R.
Identifiers: ClinVar variation 977583 (VCV000977583.9), dbSNP rs200749236, ClinGen allele CA8398413.

ClinVar aggregate classification (germline): Uncertain significance. Review status: criteria provided, multiple submitters, no conflicts (2 of 4 stars). 5 submissions from 5 submitters: Uncertain significance (5). Last evaluated 2024-08-27.

Conditions:
Primary ciliary dyskinesia. Also called: Ciliary dyskinesia. Identifiers: Orphanet 244, MedGen C0008780, MONDO:0016575, HP:0012265.
Ciliary dyskinesia, primary, 40. Also called: CILIARY DYSKINESIA, PRIMARY, 40, WITH OR WITHOUT SITUS INVERSUS. Identifiers: MedGen C4749028, MONDO:0032664, OMIM 618300.
Inborn genetic diseases. Identifiers: MedGen C0950123, MeSH D030342.

Allele frequency attached by ClinVar (database versions not stated): gnomAD exomes 0.00007 and 0.00017; gnomAD 0.00009 and 0.00010; ExAC 0.00014; TOPMed 0.00020; 1000 Genomes Project 30x 0.00031; 1000 Genomes Project 0.00040.
gnomAD v4.1: 126 of 1,614,130 alleles (0.0078%); highest among the groups gnomAD compares: Admixed American, 0.095%; no homozygotes.

Submissions (5):

Blueprint Genetics
Classification: Uncertain significance. Last evaluated: 2024-08-27. Review status: criteria provided, single submitter. Criteria: ACMG Guidelines, 2015. Collection method: clinical testing. Allele origin: germline.

Labcorp Genetics (formerly Invitae), Labcorp
Classification: Uncertain significance. Last evaluated: 2024-01-08. Review status: criteria provided, single submitter. Criteria: Invitae Variant Classification Sherloc (09022015). Collection method: clinical testing. Allele origin: germline.
Comment: This sequence change replaces glutamine, which is neutral and polar, with arginine, which is basic and polar, at codon 4455 of the DNAH9 protein (p.Gln4455Arg). This variant is present in population databases (rs200749236, gnomAD 0.09%). This variant has not been reported in the literature in individuals affected with DNAH9-related conditions. ClinVar contains an entry for this variant (Variation ID: 977583). Advanced modeling of protein sequence and biophysical properties (such as structural, functional, and spatial information, amino acid conservation, physicochemical variation, residue mobility, and thermodynamic stability) performed at Invitae indicates that this missense variant is not expected to disrupt DNAH9 protein function with a negative predictive value of 80%. In summary, the available evidence is currently insufficient to determine the role of this variant in disease. Therefore, it has been classified as a Variant of Uncertain Significance.

Fulgent Genetics
Classification: Uncertain significance for Ciliary dyskinesia, primary, 40. Last evaluated: 2023-12-29. Review status: criteria provided, single submitter. Criteria: ACMG Guidelines, 2015. Collection method: clinical testing. Allele origin: germline.

Ambry Genetics
Classification: Uncertain significance for Inborn genetic diseases. Last evaluated: 2021-07-14. Review status: criteria provided, single submitter. Criteria: Ambry Variant Classification Scheme 2023. Collection method: clinical testing. Allele origin: germline.

UNC Molecular Genetics  Laboratory, University of North Carolina at Chapel Hill
Classification: Uncertain significance for Primary ciliary dyskinesia. Last evaluated: 2019-02-28. Review status: criteria provided, single submitter. Criteria: ACMG Guidelines, 2015. Collection method: clinical testing. Allele origin: germline. Observed: 1 heterozygote.